The following is an entry in ClinVar:

ClinVar aggregate classification (germline): Uncertain significance. Review status: criteria provided, multiple submitters, no conflicts (2 of 4 stars). 2 submissions from 2 submitters: Uncertain significance (2). Last evaluated 2023-02-11.

Submissions (2):

Labcorp Genetics (formerly Invitae), Labcorp
Classification: Uncertain significance. Last evaluated: 2023-02-11. Review status: criteria provided, single submitter. Criteria: Invitae Variant Classification Sherloc (09022015). Collection method: clinical testing. Allele origin: germline.
Comment: In summary, the available evidence is currently insufficient to determine the role of this variant in disease. Therefore, it has been classified as a Variant of Uncertain Significance. This variant, c.1383_1385del, is a complex sequence change that results in the deletion of 2 and insertion of 1 amino acid(s) in the MYO6 protein (p.Glu461_Tyr462delinsAsp). This variant is not present in population databases (gnomAD no frequency). This variant has not been reported in the literature in individuals affected with MYO6-related conditions. Experimental studies and prediction algorithms are not available or were not evaluated, and the functional significance of this variant is currently unknown. Algorithms developed to predict the effect of sequence changes on RNA splicing suggest that this variant may disrupt the consensus splice site.

Blueprint Genetics
Classification: Uncertain significance. Last evaluated: 2022-01-11. Review status: criteria provided, single submitter. Criteria: ACMG Guidelines, 2015. Collection method: clinical testing. Allele origin: germline.

NM_004999.4(MYO6):c.1383_1385del (p.Glu461_Tyr462delinsAsp)

Gene: MYO6 (myosin VI; plus strand). Cytogenetic location: 6q14.1.
Variant type: Deletion.
Coding change: c.1383_1385del on transcript NM_004999.4 (MANE Select); coding-DNA positions 1383 to 1385, 3 bases deleted (GTA; older notation c.1383_1385delGTA).
Protein change: p.Glu461_Tyr462delinsAsp.
Molecular consequence: inframe indel. On other transcripts: non-coding transcript variant (1).
Genome position (GRCh38, 1-based): chr6:75,858,903-75,858,905, GTA deleted; deleting any 3 consecutive bases within chr6:75,858,902-75,858,905 gives the same sequence; the c. name uses the placement nearest the transcript's 3' end. VCF-style (leftmost placement, unchanged base first): chr6-75858901-GAGT-G. GRCh37 (hg19) VCF-style: chr6-76568618-GAGT-G.
Other names: c.1383_1385del, p.Glu461_Tyr462delinsAsp (NM_001300899.2, NM_001368136.1, NM_001368137.1 and 2 more transcripts); c.1368_1370del, p.Glu456_Tyr457delinsAsp (NM_001368138.1).
Identifiers: ClinVar variation 2133668 (VCV002133668.5), dbSNP rs2535281154, ClinGen allele CA2580075833.